The following is an entry in ClinVar:

NM_001244926.2(PRPF4):c.654+4A>T

Gene: PRPF4 (pre-mRNA splicing tri-snRNP complex factor PRPF4; plus strand). Cytogenetic location: 9q32.
Variant type: single nucleotide variant.
Coding change: c.654+4A>T on transcript NM_001244926.2 (MANE Select); 4 bases into the intron after coding-DNA position 654, A replaced by T.
Molecular consequence: intron variant.
Genome position (GRCh38, 1-based): chr9:113,283,486, A>T. VCF-style: chr9-113283486-A-T. GRCh37 (hg19) VCF-style: chr9-116045766-A-T.
Other names: c.-112+4A>T (NM_001322267.2, NM_001322266.2); c.657+4A>T (NM_004697.5).
Identifiers: ClinVar variation 1029887 (VCV001029887.11), dbSNP rs556015541, ClinGen allele CA5194939.

ClinVar aggregate classification (germline): Uncertain significance. Review status: criteria provided, multiple submitters, no conflicts (2 of 4 stars). 3 submissions from 3 submitters: Uncertain significance (3). Last evaluated 2024-10-22.

Conditions:
Retinitis pigmentosa 70 (RP70). Identifiers: Orphanet 791, MedGen C4014681, MONDO:0014400, OMIM 615922.

Allele frequency attached by ClinVar (database versions not stated): gnomAD below 0.00001 and 0.00002; gnomAD exomes 0.00001 and 0.00002; ExAC 0.00002; 1000 Genomes Project 30x 0.00031; 1000 Genomes Project 0.00040.
gnomAD v4.1: 19 of 1,613,550 alleles (0.0012%); highest among the groups gnomAD compares: South Asian, 0.019%; no homozygotes.

Submissions (3):

Labcorp Genetics (formerly Invitae), Labcorp
Classification: Uncertain significance. Last evaluated: 2024-10-22. Review status: criteria provided, single submitter. Criteria: Invitae Variant Classification Sherloc (09022015). Collection method: clinical testing. Allele origin: germline.
Comment: This sequence change falls in intron 6 of the PRPF4 gene. It does not directly change the encoded amino acid sequence of the PRPF4 protein. It affects a nucleotide within the consensus splice site. This variant is present in population databases (rs556015541, gnomAD 0.02%). This variant has been observed in individual(s) with night blindness, peripheral field loss, bone spicules, and abnormal fundus (internal data). ClinVar contains an entry for this variant (Variation ID: 1029887). Variants that disrupt the consensus splice site are a relatively common cause of aberrant splicing (PMID: 17576681, 9536098). Algorithms developed to predict the effect of sequence changes on RNA splicing suggest that this variant is not likely to affect RNA splicing. In summary, the available evidence is currently insufficient to determine the role of this variant in disease. Therefore, it has been classified as a Variant of Uncertain Significance.

Blueprint Genetics
Classification: Uncertain significance. Last evaluated: 2022-08-26. Review status: criteria provided, single submitter. Criteria: ACMG Guidelines, 2015. Collection method: clinical testing. Allele origin: germline.

Baylor Genetics
Classification: Uncertain significance for Retinitis pigmentosa 70. Last evaluated: 2019-05-03. Review status: criteria provided, single submitter. Criteria: ACMG Guidelines, 2015. Collection method: clinical testing. Allele origin: unknown. Affected: yes.
Comment: This variant was determined to be of uncertain significance according to ACMG Guidelines, 2015 [PMID:25741868].

Literature cited by the submitters: PubMed 17576681 (cited by Labcorp Genetics (formerly Invitae), Labcorp); PubMed 9536098 (cited by Labcorp Genetics (formerly Invitae), Labcorp).